The following is an entry in ClinVar:

ClinVar aggregate classification (germline): Pathogenic/Likely pathogenic. Review status: criteria provided, multiple submitters, no conflicts (2 of 4 stars). 3 submissions from 3 submitters: Pathogenic (2); Likely pathogenic (1). Last evaluated 2025-03-04.

Conditions:
Nemaline myopathy. Also called: Myopathies, Nemaline. Identifiers: Orphanet 607, MedGen C0206157, MONDO:0018958.
Nemaline myopathy 2 (NEM2). Also called: Nemaline myopathy 2, autosomal recessive. Identifiers: MedGen C1850569, MONDO:0009725, OMIM 256030.
Arthrogryposis multiplex congenita 6. Identifiers: MedGen C5543431, MONDO:0030281, OMIM 619334.

Allele frequency attached by ClinVar (database versions not stated): gnomAD exomes below 0.00001.

Submissions (3):

Broad Center for Mendelian Genomics, Broad Institute of MIT and Harvard
Classification: Pathogenic for Nemaline myopathy. Last evaluated: 2025-03-04. Review status: criteria provided, single submitter. Criteria: ACMG Guidelines, 2015. Collection method: curation. Allele origin: germline. Inheritance: Autosomal recessive inheritance.
Comment: The p.Asp6738GlufsTer4 variant in NEB has been reported, in the compound heterozygous state, in one individual with nemaline myopathy (PMID: 25205138), and has been identified in 0.0003% (3/1111784) of European (non-Finnish) chromosomes by the Genome Aggregation Database (gnomAD; dbSNP ID: rs1559786400). Although this variant has been seen in the general population in a heterozygous state, its frequency is low enough to be consistent with a recessive carrier frequency. This variant has also been reported in ClinVar (Variation ID: 2003515) and has been interpreted as pathogenic by Invitae. This variant is predicted to cause a frameshift, which alters the protein‚Äôs amino acid sequence beginning at position 6738 and leads to a premature termination codon four amino acids downstream. This alteration is then predicted to lead to a truncated or absent protein. Loss of function of the NEB gene is an established disease mechanism in autosomal recessive nemaline myopathy. In summary, this variant meets criteria to be classified as pathogenic for autosomal recessive nemaline myopathy. ACMG/AMP Criteria applied: PVS1, PM2_supporting, PM3_supporting (Richards 2015).

Baylor Genetics
Classification: Likely pathogenic for Arthrogryposis multiplex congenita 6. Last evaluated: 2023-03-10. Review status: criteria provided, single submitter. Criteria: ACMG Guidelines, 2015. Collection method: clinical testing. Allele origin: unknown.

Labcorp Genetics (formerly Invitae), Labcorp
Classification: Pathogenic for Nemaline myopathy 2. Last evaluated: 2022-06-16. Review status: criteria provided, single submitter. Criteria: Invitae Variant Classification Sherloc (09022015). Collection method: clinical testing. Allele origin: germline.
Comment: This variant has not been reported in the literature in individuals affected with NEB-related conditions. This variant is not present in population databases (gnomAD no frequency). This sequence change creates a premature translational stop signal (p.Asp6738Glufs*4) in the NEB gene. It is expected to result in an absent or disrupted protein product. Loss-of-function variants in NEB are known to be pathogenic (PMID: 25205138). For these reasons, this variant has been classified as Pathogenic.

Literature cited by the submitters: PubMed 25205138 (cited by Labcorp Genetics (formerly Invitae), Labcorp).

NM_001164508.2(NEB):c.20213dup (p.Asp6738fs)

Gene: NEB (nebulin; minus strand). Cytogenetic location: 2q23.3.
Variant type: Duplication.
Coding change: c.20213dup on transcript NM_001164508.2 (MANE Select); coding-DNA position 20213, one base duplicated (A; older notation c.20213dupA).
Protein change: p.Asp6738fs; shifts the reading frame from aspartic acid 6738.
Molecular consequence: frameshift variant.
Genome position (GRCh38, 1-based): chr2:151,547,683, T duplicated on the plus strand (A on the coding strand, the reverse complement: NEB is on the minus strand). VCF-style (leftmost placement, unchanged base first): chr2-151547682-A-AT. GRCh37 (hg19) VCF-style: chr2-152404196-A-AT.
Other names: NM_001164508.2(NEB):c.20213dup; p.Asp6738fs; c.20213dup, p.Asp6738fs (NM_001164507.2, NM_001271208.2); c.15110dup, p.Asp5037fs (NM_004543.5); short protein forms D5037fs, D6738fs.
Identifiers: ClinVar variation 2003515 (VCV002003515.6), dbSNP rs1559786400, ClinGen allele CA916680395.